The following is an entry in ClinVar:

NM_001035.3(RYR2):c.13160A>G (p.Glu4387Gly)

Genes: RYR2 (ryanodine receptor 2; plus strand), LOC126806068 (BRD4-independent group 4 enhancer GRCh37_chr1:237947411-237948610; plus strand). Cytogenetic location: 1q43.
Variant type: single nucleotide variant.
Coding change: c.13160A>G on transcript NM_001035.3 (MANE Select); coding-DNA position 13160, A replaced by G.
Protein change: p.Glu4387Gly; replaces glutamic acid 4387 with glycine.
Molecular consequence: missense variant.
Genome position (GRCh38, 1-based): chr1:237,784,872, A>G. VCF-style: chr1-237784872-A-G. GRCh37 (hg19) VCF-style: chr1-237948172-A-G.
Other names: short protein forms E4387G.
Identifiers: ClinVar variation 920402 (VCV000920402.8), dbSNP rs1190034895, ClinGen allele CA345415478.
Genomic context (GRCh38, chr1:237,784,872, plus strand): 5'-AGGAGCTGACAGAGGAAAGTGACCTTCTTTCGGACATCTTTGGCCTGGATCTGAAGAGAG[A>G]AGGAGGACAGTACAAACTGATTCCTCATAATCCAAATGCTGGGCTCAGTGACCTCATGAG-3'
Protein context (NP_001026.2, residues 4377-4397): SDIFGLDLKR[Glu4387Gly]GGQYKLIPHN

ClinVar aggregate classification (germline): Uncertain significance. Review status: criteria provided, multiple submitters, no conflicts (2 of 4 stars). 3 submissions from 3 submitters: Uncertain significance (3). Last evaluated 2025-01-23.

Conditions:
Catecholaminergic polymorphic ventricular tachycardia (CVPT). Also called: Catecholamine-induced polymorphic ventricular tachycardia. Identifiers: Orphanet 3286, MedGen C5574922, MONDO:0017990.
Cardiomyopathy (CMYO). Also called: Cardiomyopathies. Identifiers: Orphanet 167848, MedGen C0878544, MONDO:0004994, HP:0001638. Inheritance: Various modes of inheritance.
Catecholaminergic polymorphic ventricular tachycardia 1. Also called: VENTRICULAR TACHYCARDIA, CATECHOLAMINERGIC POLYMORPHIC, 1, WITH OR WITHOUT ATRIAL DYSFUNCTION AND/OR DILATED CARDIOMYOPATHY; RYR2-Related Catecholaminergic Polymorphic Ventricular Tachycardia; VENTRICULAR TACHYCARDIA, STRESS-INDUCED POLYMORPHIC 1. Identifiers: Orphanet 3286, MedGen C1631597, MONDO:0011484, OMIM 604772.

Allele frequency attached by ClinVar (database versions not stated): gnomAD exomes below 0.00001 and 0.00001.
gnomAD v4.1: 2 of 1,613,758 alleles (0.00012%); highest among the groups gnomAD compares: East Asian, 0.0022%; no homozygotes.

Submissions (3):

Labcorp Genetics (formerly Invitae), Labcorp
Classification: Uncertain significance for Catecholaminergic polymorphic ventricular tachycardia 1. Last evaluated: 2025-01-23. Review status: criteria provided, single submitter. Criteria: Invitae Variant Classification Sherloc (09022015). Collection method: clinical testing. Allele origin: germline.
Comment: This sequence change replaces glutamic acid, which is acidic and polar, with glycine, which is neutral and non-polar, at codon 4387 of the RYR2 protein (p.Glu4387Gly). This variant is present in population databases (no rsID available, gnomAD 0.006%). This variant has not been reported in the literature in individuals affected with RYR2-related conditions. ClinVar contains an entry for this variant (Variation ID: 920402). Invitae Evidence Modeling of protein sequence and biophysical properties (such as structural, functional, and spatial information, amino acid conservation, physicochemical variation, residue mobility, and thermodynamic stability) indicates that this missense variant is expected to disrupt RYR2 protein function with a positive predictive value of 95%. In summary, the available evidence is currently insufficient to determine the role of this variant in disease. Therefore, it has been classified as a Variant of Uncertain Significance.

Color Diagnostics, LLC DBA Color Health
Classification: Uncertain significance for Cardiomyopathy. Last evaluated: 2024-03-07. Review status: criteria provided, single submitter. Criteria: ACMG Guidelines, 2015. Collection method: clinical testing. Allele origin: germline.
Comment: This missense variant replaces glutamic acid with glycine at codon 4387 of the RYR2 protein. Computational prediction suggests that this variant may have deleterious impact on protein structure and function (internally defined REVEL score threshold >= 0.7, PMID: 27666373). To our knowledge, functional studies have not been reported for this variant. This variant has not been reported in individuals affected with RYR2-related disorders in the literature. This variant has been identified in 2/248180 chromosomes in the general population by the Genome Aggregation Database (gnomAD). The available evidence is insufficient to determine the role of this variant in disease conclusively. Therefore, this variant is classified as a Variant of Uncertain Significance.

All of Us Research Program, National Institutes of Health
Classification: Uncertain significance for Catecholaminergic polymorphic ventricular tachycardia. Last evaluated: 2023-03-09. Review status: criteria provided, single submitter. Criteria: ACMG Guidelines, 2015. Collection method: clinical testing. Allele origin: germline. Inheritance: Autosomal dominant inheritance. Observed: 1 variant allele, 1 heterozygote.
Comment: Variant of Uncertain Significance due to insufficient evidence: This missense variant is located in the pore-forming region of the RYR2 protein. Computational prediction tools and conservation analyses suggest that this variant may have deleterious impact on the protein function. Computational splicing tools suggest that this variant may not impact RNA splicing. To our knowledge, functional assays have not been performed for this variant nor has this variant been reported in individuals affected with cardiovascular disorders in the literature. This variant has been identified in 2/245210 chromosomes in the general population by the Genome Aggregation Database (gnomAD). Available evidence is insufficient to determine the pathogenicity of this variant conclusively.

This study involves interpretation of variants in research participants for the purpose of population health screening. Participant phenotype was not available at the time of variant classification. Additional details can be found in publication PMID: 35346344, PMCID: PMC8962531